The following is an entry in ClinVar:

ClinVar aggregate classification (germline): Uncertain significance (1 of 4 stars; one submission).

Allele frequency attached by ClinVar (database versions not stated): gnomAD exomes below 0.00001; ExAC 0.00001.
gnomAD v4.1: 7 of 1,614,008 alleles (0.00043%); highest among the groups gnomAD compares: South Asian, 0.0011%; no homozygotes.

Submission:

Labcorp Genetics (formerly Invitae), Labcorp
Classification: Uncertain significance. Last evaluated: 2022-08-31. Review status: criteria provided, single submitter. Criteria: Invitae Variant Classification Sherloc (09022015). Collection method: clinical testing. Allele origin: germline.
Comment: This sequence change replaces arginine with glutamine at codon 898 of the EGF protein (p.Arg898Gln). The arginine residue is weakly conserved and there is a small physicochemical difference between arginine and glutamine. The frequency data for this variant in the population databases is considered unreliable, as metrics indicate poor data quality at this position in the gnomAD database. This variant has not been reported in the literature in individuals affected with EGF-related conditions. ClinVar contains an entry for this variant (Variation ID: 1468180). Algorithms developed to predict the effect of missense changes on protein structure and function output the following: SIFT: "Not Available"; PolyPhen-2: "Benign"; Align-GVGD: "Not Available". The glutamine amino acid residue is found in multiple mammalian species, which suggests that this missense change does not adversely affect protein function. In summary, the available evidence is currently insufficient to determine the role of this variant in disease. Therefore, it has been classified as a Variant of Uncertain Significance.

NM_001963.6(EGF):c.2693G>A (p.Arg898Gln)

Gene: EGF (epidermal growth factor; plus strand). Cytogenetic location: 4q25.
Variant type: single nucleotide variant.
Coding change: c.2693G>A on transcript NM_001963.6 (MANE Select); coding-DNA position 2693, G replaced by A.
Protein change: p.Arg898Gln; replaces arginine 898 with glutamine.
Molecular consequence: missense variant. On other transcripts: intron variant (1).
Genome position (GRCh38, 1-based): chr4:109,988,668, G>A. VCF-style: chr4-109988668-G-A. GRCh37 (hg19) VCF-style: chr4-110909824-G-A.
Other names: c.2693G>A, p.Arg898Gln (NM_001178130.3); c.2567G>A, p.Arg856Gln (NM_001178131.3); c.2366-4579G>A (NM_001357021.2); short protein forms R856Q, R898Q.
Identifiers: ClinVar variation 1468180 (VCV001468180.6), dbSNP rs757524102, ClinGen allele CA3044051.
Genomic context (GRCh38, chr4:109,988,668, plus strand): 5'-TCCCAGTGTGCCCCCCTGCCTCCTCCAAGTGCATCAACACCGAAGGTGGTTATGTCTGCC[G>A]GTGCTCAGAAGGCTACCAAGGAGATGGGATTCACTGTCTTGGTAAGAGGACACATGTGCT-3'
Protein context (NP_001954.2, residues 888-908): CINTEGGYVC[Arg898Gln]CSEGYQGDGI